The following is an entry in ClinVar:

NM_001161352.2(KCNMA1):c.1035A>T (p.Leu345Phe)

Gene: KCNMA1 (potassium calcium-activated channel subfamily M alpha 1; minus strand). Cytogenetic location: 10q22.3.
Variant type: single nucleotide variant.
Coding change: c.1035A>T on transcript NM_001161352.2 (MANE Select); coding-DNA position 1035, A replaced by T.
Protein change: p.Leu345Phe; replaces leucine 345 with phenylalanine.
Molecular consequence: missense variant.
Genome position (GRCh38, 1-based): chr10:77,110,269, T>A on the plus strand (A>T on the coding strand, the complement: KCNMA1 is on the minus strand). VCF-style: chr10-77110269-T-A. GRCh37 (hg19) VCF-style: chr10-78870027-T-A.
Other names: c.1035A>T, p.Leu345Phe (NM_001014797.3, NM_001161353.2, NM_001271519.2 and 9 more transcripts); c.873A>T, p.Leu291Phe (NM_001271518.2); c.495A>T, p.Leu165Phe (NM_001322838.2); c.1167A>T, p.Leu389Phe (NM_001437422.1); short protein forms L291F, L345F, L165F, L389F.
Identifiers: ClinVar variation 4743003 (VCV004743003.1).

ClinVar aggregate classification (germline): Uncertain significance (1 of 4 stars; one submission).

Conditions:
Generalized epilepsy-paroxysmal dyskinesia syndrome (PNKD3). Also called: Generalized epilepsy and paroxysmal dyskinesia; Paroxysmal nonkinesigenic dyskinesia, 3, with or without generalized epilepsy. Identifiers: Orphanet 79137, MedGen C5574945, MONDO:0012276, OMIM 609446.

Submission:

Labcorp Genetics (formerly Invitae), Labcorp
Classification: Uncertain significance for Generalized epilepsy-paroxysmal dyskinesia syndrome. Last evaluated: 2025-03-19. Review status: criteria provided, single submitter. Criteria: Invitae Variant Classification Sherloc (09022015). Collection method: clinical testing. Allele origin: germline.
Comment: This sequence change replaces leucine, which is neutral and non-polar, with phenylalanine, which is neutral and non-polar, at codon 345 of the KCNMA1 protein (p.Leu345Phe). This variant is not present in population databases (gnomAD no frequency). This variant has not been reported in the literature in individuals affected with KCNMA1-related conditions. Invitae Evidence Modeling of protein sequence and biophysical properties (such as structural, functional, and spatial information, amino acid conservation, physicochemical variation, residue mobility, and thermodynamic stability) indicates that this missense variant is not expected to disrupt KCNMA1 protein function with a negative predictive value of 80%. In summary, the available evidence is currently insufficient to determine the role of this variant in disease. Therefore, it has been classified as a Variant of Uncertain Significance.